The following is an entry in ClinVar:

ClinVar aggregate classification (germline): Uncertain significance (1 of 4 stars; one submission).

gnomAD v4.1: 18 of 1,614,150 alleles (0.0011%); highest among the groups gnomAD compares: Non-Finnish European, 0.0015%; no homozygotes.

Submission:

Labcorp Genetics (formerly Invitae), Labcorp
Classification: Uncertain significance. Last evaluated: 2022-07-25. Review status: criteria provided, single submitter. Criteria: Invitae Variant Classification Sherloc (09022015). Collection method: clinical testing. Allele origin: germline.
Comment: ClinVar contains an entry for this variant (Variation ID: 1441700). In summary, the available evidence is currently insufficient to determine the role of this variant in disease. Therefore, it has been classified as a Variant of Uncertain Significance. Algorithms developed to predict the effect of missense changes on protein structure and function (SIFT, PolyPhen-2, Align-GVGD) all suggest that this variant is likely to be tolerated. This variant has not been reported in the literature in individuals affected with USH2A-related conditions. This variant is not present in population databases (gnomAD no frequency). This sequence change replaces isoleucine, which is neutral and non-polar, with leucine, which is neutral and non-polar, at codon 3598 of the USH2A protein (p.Ile3598Leu).

NM_206933.4(USH2A):c.10792A>C (p.Ile3598Leu)

Gene: USH2A (usherin; minus strand). Cytogenetic location: 1q41.
Variant type: single nucleotide variant.
Coding change: c.10792A>C on transcript NM_206933.4 (MANE Select); coding-DNA position 10792, A replaced by C.
Protein change: p.Ile3598Leu; replaces isoleucine 3598 with leucine.
Molecular consequence: missense variant.
Genome position (GRCh38, 1-based): chr1:215,779,990, T>G on the plus strand (A>C on the coding strand, the complement: USH2A is on the minus strand). VCF-style: chr1-215779990-T-G. GRCh37 (hg19) VCF-style: chr1-215953332-T-G.
Other names: short protein forms I3598L.
Identifiers: ClinVar variation 1441700 (VCV001441700.8), dbSNP rs993682170, ClinGen allele CA344834244.
Genomic context (GRCh38, chr1:215,779,990, plus strand): 5'-CGTTTGATTTCTCAGGGACACTCCAGCTCAGATGCAGAGCCACTGCACTTAGGGCTGTGA[T>G]GCTTGGTGGCAGGATGCTCTCCGGAACTCCTTGGGTAGTAGCTGCAACTACCTGAAGACG-3'
Protein context (NP_996816.3, residues 3588-3608): GVPESILPPS[Ile3598Leu]TALSAVALHL